The following is an entry in ClinVar:

ClinVar aggregate classification (germline): Uncertain significance (1 of 4 stars; one submission).

gnomAD v4.1: 17 of 1,614,118 alleles (0.0011%); highest among the groups gnomAD compares: Admixed American, 0.028%; no homozygotes.

Submission:

Labcorp Genetics (formerly Invitae), Labcorp
Classification: Uncertain significance. Last evaluated: 2025-11-23. Review status: criteria provided, single submitter. Criteria: Invitae Variant Classification Sherloc (09022015). Collection method: clinical testing. Allele origin: germline.
Comment: This sequence change replaces threonine, which is neutral and polar, with isoleucine, which is neutral and non-polar, at codon 41 of the FAT2 protein (p.Thr41Ile). This variant is present in population databases (rs771965604, gnomAD 0.04%). This variant has not been reported in the literature in individuals affected with FAT2-related conditions. An algorithm developed to predict the effect of missense changes on protein structure and function (PolyPhen-2) suggests that this variant is likely to be disruptive. In summary, the available evidence is currently insufficient to determine the role of this variant in disease. Therefore, it has been classified as a Variant of Uncertain Significance.

NM_001447.3(FAT2):c.122C>T (p.Thr41Ile)

Gene: FAT2 (FAT atypical cadherin 2; minus strand). Cytogenetic location: 5q33.1.
Variant type: single nucleotide variant.
Coding change: c.122C>T on transcript NM_001447.3 (MANE Select); coding-DNA position 122, C replaced by T.
Protein change: p.Thr41Ile; replaces threonine 41 with isoleucine.
Molecular consequence: missense variant.
Genome position (GRCh38, 1-based): chr5:151,568,810, G>A on the plus strand (C>T on the coding strand, the complement: FAT2 is on the minus strand). VCF-style: chr5-151568810-G-A. GRCh37 (hg19) VCF-style: chr5-150948371-G-A.
Other names: short protein forms T41I.
Identifiers: ClinVar variation 4753332 (VCV004753332.1).